The following is an entry in ClinVar:

ClinVar aggregate classification (germline): Likely benign (0 of 4 stars; one submission).

Conditions:
NRTN-related disorder. Also called: NRTN-related condition.

Submission:

PreventionGenetics, part of Exact Sciences
Classification: Likely benign for NRTN-related condition. Last evaluated: 2024-06-05. Review status: no assertion criteria provided. Collection method: clinical testing. Allele origin: germline.
Comment: This variant is classified as likely benign based on ACMG/AMP sequence variant interpretation guidelines (Richards et al. 2015 PMID: 25741868, with internal and published modifications).

NM_004558.5(NRTN):c.276G>A (p.Arg92=)

Gene: NRTN (neurturin; plus strand). Cytogenetic location: 19p13.3.
Variant type: single nucleotide variant.
Coding change: c.276G>A on transcript NM_004558.5 (MANE Select); coding-DNA position 276, G replaced by A.
Protein change: p.Arg92=; no amino-acid change (arginine 92 retained).
Molecular consequence: synonymous variant.
Genome position (GRCh38, 1-based): chr19:5,827,855, G>A. VCF-style: chr19-5827855-G-A. GRCh37 (hg19) VCF-style: chr19-5827866-G-A.
Identifiers: ClinVar variation 3352193 (VCV003352193.1).